The following is an entry in ClinVar:

NM_152309.3(PIK3AP1):c.158_160del (p.Phe53del)

Gene: PIK3AP1 (phosphoinositide-3-kinase adaptor protein 1; minus strand). Cytogenetic location: 10q24.1.
Variant type: Deletion.
Coding change: c.158_160del on transcript NM_152309.3 (MANE Select); coding-DNA positions 158 to 160, 3 bases deleted (TCT; older notation c.158_160delTCT).
Protein change: p.Phe53del; deletes phenylalanine 53.
Molecular consequence: inframe deletion.
Genome position (GRCh38, 1-based): chr10:96,709,837-96,709,839, AGA deleted on the plus strand (TCT on the coding strand, the reverse complement: PIK3AP1 is on the minus strand); deleting any 3 consecutive bases within chr10:96,709,837-96,709,841 gives the same sequence; the c. name uses the placement nearest the transcript's 3' end. VCF-style (leftmost placement, unchanged base first): chr10-96709836-GAGA-G. GRCh37 (hg19) VCF-style: chr10-98469593-GAGA-G.
Other names: short protein forms F53del.
Identifiers: ClinVar variation 2158047 (VCV002158047.4), dbSNP rs2493793447, ClinGen allele CA2580082529.

ClinVar aggregate classification (germline): Uncertain significance (1 of 4 stars; one submission).

Conditions:
Infantile spasms. Also called: Infantile spasm. Identifiers: MedGen C3887898, HP:0012469.

Submission:

Labcorp Genetics (formerly Invitae), Labcorp
Classification: Uncertain significance for Infantile spasms. Last evaluated: 2024-01-08. Review status: criteria provided, single submitter. Criteria: Invitae Variant Classification Sherloc (09022015). Collection method: clinical testing. Allele origin: germline.
Comment: This variant, c.158_160del, results in the deletion of 1 amino acid(s) of the PIK3AP1 protein (p.Phe53del), but otherwise preserves the integrity of the reading frame. This variant is not present in population databases (gnomAD no frequency). This variant has not been reported in the literature in individuals affected with PIK3AP1-related conditions. ClinVar contains an entry for this variant (Variation ID: 2158047). Experimental studies and prediction algorithms are not available or were not evaluated, and the functional significance of this variant is currently unknown. In summary, the available evidence is currently insufficient to determine the role of this variant in disease. Therefore, it has been classified as a Variant of Uncertain Significance.